The following is an entry in ClinVar:

ClinVar aggregate classification (germline): Pathogenic/Likely pathogenic. Review status: criteria provided, multiple submitters, no conflicts (2 of 4 stars). 3 submissions from 3 submitters: Pathogenic (2); Likely pathogenic (1). Last evaluated 2024-12-06.

Conditions:
Fanconi anemia complementation group A (FANCA). Also called: Fanconi anemia, group A; FANCA-Related Fanconi Anemia. Identifiers: Orphanet 84, MedGen C3469521, MONDO:0009215, OMIM 227650.

Allele frequency attached by ClinVar (database versions not stated): gnomAD exomes below 0.00001.
gnomAD v4.1: 1 of 1,610,396 alleles (0.000062%); highest among the groups gnomAD compares: Non-Finnish European, 0.000085%; no homozygotes.

Submissions (3):

Dasa
Classification: Likely pathogenic. Last evaluated: 2024-12-06. Review status: criteria provided, single submitter. Criteria: DASA Assertion Criteria. Collection method: clinical testing. Allele origin: germline.
Comment: NM_000135.4(FANCA):c.275C>G (p.Ser92*) is a nonsense variant in FANCA predicted to introduce a premature termination codon and is predicted to result in an absent or altered protein product. Loss of function is an established disease mechanism for FANCA-associated disorders. Also, this variant is rare in population databases. Based on the currently available evidence, this variant is classified as likely pathogenic.

Myriad Genetics, Inc.
Classification: Pathogenic for Fanconi anemia complementation group A. Last evaluated: 2024-05-08. Review status: criteria provided, single submitter. Criteria: Myriad Autosomal Dominant, Autosomal Recessive and X-Linked Classification Criteria (2023). Collection method: clinical testing. Allele origin: unknown.
Comment: NM_000135.2(FANCA):c.275C>G(S92*) is expected to be pathogenic in the context of Fanconi anemia complementation group A. This variant is predicted to lead to an abnormal or absent protein product due to the creation of a premature termination codon in FANCA, a gene where loss-of-function variants are known to be pathogenic. Please note: this variant was assessed in the context of healthy population screening.

Mendelics
Classification: Pathogenic for Fanconi anemia complementation group A. Last evaluated: 2019-05-28. Review status: criteria provided, single submitter. Criteria: Mendelics Assertion Criteria 2017. Collection method: clinical testing. Allele origin: unknown.

NM_000135.4(FANCA):c.275C>G (p.Ser92Ter)

Gene: FANCA (FA complementation group A; minus strand). Cytogenetic location: 16q24.3.
Variant type: single nucleotide variant.
Coding change: c.275C>G on transcript NM_000135.4 (MANE Select); coding-DNA position 275, C replaced by G.
Protein change: p.Ser92Ter; replaces serine 92 with a stop codon.
Molecular consequence: nonsense.
Genome position (GRCh38, 1-based): chr16:89,814,528, G>C on the plus strand (C>G on the coding strand, the complement: FANCA is on the minus strand). VCF-style: chr16-89814528-G-C. GRCh37 (hg19) VCF-style: chr16-89880936-G-C.
Other names: c.275C>G, p.Ser92Ter (NM_001018112.3, NM_001286167.3, NM_001351830.2); short protein forms S92*.
Identifiers: ClinVar variation 803293 (VCV000803293.4), dbSNP rs1183559927, ClinGen allele CA397482432.